The following is an entry in ClinVar:

ClinVar aggregate classification (germline): Pathogenic/Likely pathogenic. Review status: criteria provided, multiple submitters, no conflicts (2 of 4 stars). 5 submissions from 5 submitters: Pathogenic (4); Likely pathogenic (1). Last evaluated 2025-06-26.

Conditions:
Hereditary breast ovarian cancer syndrome. Also called: Hereditary breast and ovarian cancer syndrome (HBOC); Hereditary breast and ovarian cancer syndrome; Hereditary breast and ovarian cancer; Breast and ovarian cancer; BRCA1- and BRCA2-Associated Hereditary Breast and Ovarian Cancer; Hereditary breast and/or ovarian cancer syndrome. Identifiers: Orphanet 145, MedGen C0677776, MeSH D061325, MONDO:0003582. Disease mechanism: loss of function.
Familial cancer of breast. Also called: hereditary breast carcinoma; BREAST CANCER, FAMILIAL; Hereditary breast cancer. Identifiers: Orphanet 227535, MedGen C0346153, MONDO:0016419, OMIM 114480. Disease mechanism: loss of function.

Submissions (5):

GeneKor MSA
Classification: Pathogenic for Hereditary breast ovarian cancer syndrome. Last evaluated: 2025-06-26. Review status: criteria provided, single submitter. Criteria: ACMG Guidelines, 2015. Collection method: clinical testing. Allele origin: germline. Affected: yes.
Comment: This is a single base substitution, replacing Lysine with a termination codon in the BRCA2 gene. This results in the production of a truncated, non-functional protein. Truncating variants in BRCA2 are known to be pathogenic (PMID:20104584). This variant is not present in population databases (rs2072903033) and has not been reported in the literature in individuals affected with BRCA2-related conditions. The mutation database ClinVar contains an entry for this variant (VCV000986954.28). Based on the classification criteria set by the ACMG and AMP (PMID:25741868) this variant has been classified as pathogenic.

Labcorp Genetics (formerly Invitae), Labcorp
Classification: Pathogenic for Hereditary breast ovarian cancer syndrome. Last evaluated: 2024-02-22. Review status: criteria provided, single submitter. Criteria: Invitae Variant Classification Sherloc (09022015). Collection method: clinical testing. Allele origin: germline.
Comment: This sequence change creates a premature translational stop signal (p.Lys2979*) in the BRCA2 gene. It is expected to result in an absent or disrupted protein product. Loss-of-function variants in BRCA2 are known to be pathogenic (PMID: 20104584). This variant is not present in population databases (gnomAD no frequency). This variant has not been reported in the literature in individuals affected with BRCA2-related conditions. ClinVar contains an entry for this variant (Variation ID: 986954). For these reasons, this variant has been classified as Pathogenic.

Baylor Genetics
Classification: Likely pathogenic for Familial cancer of breast. Last evaluated: 2023-05-08. Review status: criteria provided, single submitter. Criteria: ACMG Guidelines, 2015. Collection method: clinical testing. Allele origin: unknown.

CeGaT Center for Human Genetics Tuebingen
Classification: Pathogenic. Last evaluated: 2022-06-01. Review status: criteria provided, single submitter. Criteria: CeGaT Center For Human Genetics Tuebingen Variant Classification Criteria Version 2. Collection method: clinical testing. Allele origin: germline. Affected: yes. Observed: 1 variant allele.

Institute of Medical Genetics and Applied Genomics, University Hospital Tübingen
Classification: Pathogenic. Last evaluated: 2020-10-23. Review status: criteria provided, single submitter. Criteria: ACMG Guidelines, 2015. Collection method: clinical testing. Allele origin: germline. Inheritance: Autosomal unknown. Affected: yes.

Literature cited by the submitters: PubMed 20104584 (cited by GeneKor MSA and Labcorp Genetics (formerly Invitae), Labcorp).

NM_000059.4(BRCA2):c.8935A>T (p.Lys2979Ter)

Gene: BRCA2 (BRCA2 DNA repair associated; plus strand). Cytogenetic location: 13q13.1.
Variant type: single nucleotide variant.
Coding change: c.8935A>T on transcript NM_000059.4 (MANE Select); coding-DNA position 8935, A replaced by T.
Protein change: p.Lys2979Ter; replaces lysine 2979 with a stop codon.
Molecular consequence: nonsense.
Genome position (GRCh38, 1-based): chr13:32,379,497, A>T. VCF-style: chr13-32379497-A-T. GRCh37 (hg19) VCF-style: chr13-32953634-A-T.
Other names: short protein forms K2979*.
Identifiers: ClinVar variation 986954 (VCV000986954.38), dbSNP rs2072903033, ClinGen allele CA387757307.